The following is an entry in ClinVar:

ClinVar aggregate classification (germline): Uncertain significance (1 of 4 stars; one submission).

Conditions:
Long QT syndrome (LQTS). Identifiers: MedGen C0023976, MeSH D008133, MONDO:0002442. Disease mechanism: loss of function. Inheritance: Various modes of inheritance.

Submission:

All of Us Research Program, National Institutes of Health
Classification: Uncertain significance for Long QT syndrome. Last evaluated: 2024-03-24. Review status: criteria provided, single submitter. Criteria: ACMG Guidelines, 2015. Collection method: clinical testing. Allele origin: germline. Inheritance: Autosomal dominant inheritance. Observed: 1 variant allele, 1 heterozygote.
Comment: This missense variant replaces valine with leucine at codon 458 of the KCNQ1 protein. Computational prediction is inconclusive regarding the impact of this variant on protein structure and function (internally defined REVEL score threshold 0.5 < inconclusive < 0.7, PMID: 27666373). To our knowledge, functional studies have not been reported for this variant. This variant has not been reported in individuals affected with KCNQ1-related disorders in the literature. This variant has not been identified in the general population by the Genome Aggregation Database (gnomAD). The available evidence is insufficient to determine the role of this variant in disease conclusively. Therefore, this variant is classified as a Variant of Uncertain Significance.

This study involves interpretation of variants in research participants for the purpose of population health screening. Participant phenotype was not available at the time of variant classification. Additional details can be found in publication PMID: 35346344, PMCID: PMC8962531

NM_000218.3(KCNQ1):c.1372G>C (p.Val458Leu)

Gene: KCNQ1 (potassium voltage-gated channel subfamily Q member 1; plus strand). Cytogenetic location: 11p15.5.
Variant type: single nucleotide variant.
Coding change: c.1372G>C on transcript NM_000218.3 (MANE Select); coding-DNA position 1372, G replaced by C.
Protein change: p.Val458Leu; replaces valine 458 with leucine.
Molecular consequence: missense variant.
Genome position (GRCh38, 1-based): chr11:2,588,833, G>C. VCF-style: chr11-2588833-G-C. GRCh37 (hg19) VCF-style: chr11-2610063-G-C.
Other names: c.1276G>C, p.Val426Leu (NM_001406836.1); c.1102G>C, p.Val368Leu (NM_001406837.1); c.832G>C, p.Val278Leu (NM_001406838.1); c.991G>C, p.Val331Leu (NM_181798.2); short protein forms V278L, V331L, V368L, V426L, V458L.
Identifiers: ClinVar variation 3386937 (VCV003386937.1).
Genomic context (GRCh38, chr11:2,588,833, plus strand): 5'-CTCACAGTCCCCCATATCACGTGCGACCCCCCAGAAGAGCGGCGGCTGGACCACTTCTCT[G>C]TCGACGGCTATGACAGTTCTGGTGAGAACCCCTCAGGCAGTTGGGGGCCGCGGGGCCGGG-3'
Protein context (NP_000209.2, residues 448-468): PEERRLDHFS[Val458Leu]DGYDSSVRKS